The following is an entry in ClinVar:

ClinVar aggregate classification (germline): Uncertain significance (1 of 4 stars; one submission).

Conditions:
Immunodeficiency 39 (IMD39). Identifiers: Orphanet 574918, MedGen C4225358, MONDO:0014597, OMIM 616345.

Allele frequency attached by ClinVar (database versions not stated): TOPMed 0.00002; ExAC 0.00006; 1000 Genomes Project 30x 0.00016.

Submission:

Labcorp Genetics (formerly Invitae), Labcorp
Classification: Uncertain significance for Immunodeficiency 39. Last evaluated: 2024-12-03. Review status: criteria provided, single submitter. Criteria: Invitae Variant Classification Sherloc (09022015). Collection method: clinical testing. Allele origin: germline.
Comment: This sequence change replaces glycine, which is neutral and non-polar, with serine, which is neutral and polar, at codon 103 of the IRF7 protein (p.Gly103Ser). The frequency data for this variant in the population databases is considered unreliable, as metrics indicate poor data quality at this position in the gnomAD database. This variant has not been reported in the literature in individuals affected with IRF7-related conditions. ClinVar contains an entry for this variant (Variation ID: 1906403). Invitae Evidence Modeling of protein sequence and biophysical properties (such as structural, functional, and spatial information, amino acid conservation, physicochemical variation, residue mobility, and thermodynamic stability) indicates that this missense variant is not expected to disrupt IRF7 protein function with a negative predictive value of 80%. In summary, the available evidence is currently insufficient to determine the role of this variant in disease. Therefore, it has been classified as a Variant of Uncertain Significance.

NM_001572.5(IRF7):c.268G>A (p.Gly90Ser)

Gene: IRF7 (interferon regulatory factor 7; minus strand). Cytogenetic location: 11p15.5.
Variant type: single nucleotide variant.
Coding change: c.268G>A on transcript NM_001572.5 (MANE Select); coding-DNA position 268, G replaced by A.
Protein change: p.Gly90Ser; replaces glycine 90 with serine.
Molecular consequence: missense variant.
Genome position (GRCh38, 1-based): chr11:614,923, C>T on the plus strand (G>A on the coding strand, the complement: IRF7 is on the minus strand). VCF-style: chr11-614923-C-T. GRCh37 (hg19) VCF-style: chr11-614923-C-T.
Other names: c.268G>A, p.Gly90Ser (NM_004029.4); c.307G>A, p.Gly103Ser (NM_004031.4); short protein forms G90S, G103S.
Identifiers: ClinVar variation 1906403 (VCV001906403.5), dbSNP rs768959432, ClinGen allele CA5784015.
Genomic context (GRCh38, chr11:614,923, plus strand): 5'-CCCGCAGCATCACGAAGCGACGCGTGCTGCGCAGTGCGCAGCGGAAGTTGGTTTTCCAGC[C>T]GGCGCGCTCCGCAGTCTCAGCCTCGGGGGGCGGGCCACCTCCCCTGCTGCTAGGCGGCCA-3'
Protein context (NP_001563.2, residues 80-100): PPEAETAERA[Gly90Ser]WKTNFRCALR